The following is an entry in ClinVar:

ClinVar aggregate classification (germline): Likely benign (1 of 4 stars; one submission).

Conditions:
Malignant hyperthermia, susceptibility to, 1 (MHS1). Also called: RYR1-Related Malignant Hyperthermia Susceptibility; Anesthesia related hyperthermia; Malignant hyperpyrexia; Fulminating hyperpyrexia; Pharmacogenic myopathy; Malignant hyperthermia suceptibility 1. Identifiers: Orphanet 423, MedGen C2930980, MONDO:0007783, OMIM 145600.

Submission:

All of Us Research Program, National Institutes of Health
Classification: Likely benign for Malignant hyperthermia, susceptibility to, 1. Last evaluated: 2024-06-09. Review status: criteria provided, single submitter. Criteria: ACMG Guidelines, 2015. Collection method: clinical testing. Allele origin: germline. Inheritance: Autosomal dominant inheritance. Observed: 3 variant alleles, 3 heterozygotes.
Comment: This study involves interpretation of variants in research participants for the purpose of population health screening. Participant phenotype was not available at the time of variant classification. Additional details can be found in publication PMID: 35346344, PMCID: PMC8962531

NM_000540.3(RYR1):c.8817-9_8817-7del

Gene: RYR1 (ryanodine receptor 1; plus strand). Cytogenetic location: 19q13.2.
Variant type: Deletion.
Coding change: c.8817-9_8817-7del on transcript NM_000540.3 (MANE Select); 9 bases into the intron before coding-DNA position 8817 through 7 bases into the intron before coding-DNA position 8817, 3 bases deleted (TCC; older notation c.8817-9_8817-7delTCC).
Molecular consequence: intron variant.
Genome position (GRCh38, 1-based): chr19:38,507,703-38,507,705, TCC deleted; deleting any 3 consecutive bases within chr19:38,507,702-38,507,705 gives the same sequence; the c. name uses the placement nearest the transcript's 3' end. VCF-style (leftmost placement, unchanged base first): chr19-38507701-TCTC-T. GRCh37 (hg19) VCF-style: chr19-38998341-TCTC-T.
Other names: c.8817-9_8817-7del (NM_001042723.2).
Identifiers: ClinVar variation 3069534 (VCV003069534.2), dbSNP rs1970537849, ClinGen allele CA995726676.